The following is an entry in ClinVar:

ClinVar aggregate classification (germline): Likely benign. Review status: criteria provided, multiple submitters, no conflicts (2 of 4 stars). 3 submissions from 3 submitters: Likely benign (2). 1 of the submissions does not count toward it. Last evaluated 2026-01-27.

Conditions:
Pontocerebellar hypoplasia type 1A (PCH1A). Also called: PONTOCEREBELLAR HYPOPLASIA WITH ANTERIOR HORN CELL DISEASE; PONTOCEREBELLAR HYPOPLASIA WITH INFANTILE SPINAL MUSCULAR ATROPHY. Identifiers: Orphanet 2254, Orphanet 88616, MedGen C1843504, MONDO:0011866, OMIM 607596.

Allele frequency attached by ClinVar (database versions not stated): gnomAD 0.00001 and 0.00002; gnomAD exomes 0.00001; TOPMed 0.00002.
gnomAD v4.1: 16 of 1,608,490 alleles (0.00099%); highest among the groups gnomAD compares: South Asian, 0.0022%; no homozygotes.

Submissions (3):

Labcorp Genetics (formerly Invitae), Labcorp
Classification: Likely benign for Pontocerebellar hypoplasia type 1A. Last evaluated: 2026-01-27. Review status: criteria provided, single submitter. Criteria: Invitae Variant Classification Sherloc (09022015). Collection method: clinical testing. Allele origin: germline.

Mayo Clinic Laboratories, Mayo Clinic
Classification: Likely benign. Last evaluated: 2025-10-23. Review status: criteria provided, single submitter. Criteria: ACMG Guidelines, 2015. Collection method: clinical testing. Allele origin: germline. Observed: 1 variant allele.
Comment: BP4, BP7

Natera, Inc.
Classification: Uncertain significance for Pontocerebellar hypoplasia, type 1a. Last evaluated: 2021-04-20. Review status: no assertion criteria provided. Collection method: clinical testing. Allele origin: germline. Not counted in ClinVar's aggregate classification.

NM_003384.3(VRK1):c.576+9A>G

Gene: VRK1 (VRK serine/threonine kinase 1; plus strand). Cytogenetic location: 14q32.2.
Variant type: single nucleotide variant.
Coding change: c.576+9A>G on transcript NM_003384.3 (MANE Select); 9 bases into the intron after coding-DNA position 576, A replaced by G.
Molecular consequence: intron variant.
Genome position (GRCh38, 1-based): chr14:96,853,175, A>G. VCF-style: chr14-96853175-A-G. GRCh37 (hg19) VCF-style: chr14-97319512-A-G.
Other names: p.?.
Identifiers: ClinVar variation 640682 (VCV000640682.13), dbSNP rs978347799, ClinGen allele CA266077899.
Genomic context (GRCh38, chr14:96,853,175, plus strand): 5'-TGGAGATATCAAGGCCTCAAATCTTCTTCTGAACTACAAGAATCCTGACCAGGTAGTTTT[A>G]TAACTTTAATTTCTACTATTTAAAGCGTGTTGTTTGAAAATAAATATGGTTGCTTTGAAC-3'